The following is an entry in ClinVar:

NM_000117.3(EMD):c.610C>T (p.Arg204Cys)

Gene: EMD (emerin; plus strand). Cytogenetic location: Xq28.
Variant type: single nucleotide variant.
Coding change: c.610C>T on transcript NM_000117.3 (MANE Select); coding-DNA position 610, C replaced by T.
Protein change: p.Arg204Cys; replaces arginine 204 with cysteine.
Molecular consequence: missense variant.
Genome position (GRCh38, 1-based): chrX:154,381,042, C>T. VCF-style: chrX-154381042-C-T. GRCh37 (hg19) VCF-style: chrX-153609402-C-T.
Other names: p.R204C:CGT>TGT; short protein forms R204C.
Identifiers: ClinVar variation 201776 (VCV000201776.17), dbSNP rs782299893, ClinGen allele CA335156.
Genomic context (GRCh38, chrX:154,381,042, plus strand): 5'-ACTTCCTCCTCCACCTCTTTTATGTCCTCCTCATCATCTTCCTCTTCATGGCTCACCCGC[C>T]GTGCCATCCGGCCTGAAAACCGTGCTCCTGGGGCTGGGCTGGGCCAGGATCGCCAGGTCC-3'
Protein context (NP_000108.1, residues 194-214): SSSSSSWLTR[Arg204Cys]AIRPENRAPG

ClinVar aggregate classification (germline): Uncertain significance. Review status: criteria provided, multiple submitters, no conflicts (2 of 4 stars). 5 submissions from 5 submitters: Uncertain significance (4). 1 of the submissions does not count toward it. Last evaluated 2025-08-06.

Conditions:
Emery-Dreifuss muscular dystrophy 1, X-linked (EDMD1). Also called: SCAPULOPERONEAL SYNDROME, X-LINKED; HUMEROPERONEAL NEUROMUSCULAR DISEASE; Muscular dystrophy, tardive, Dreifuss-Emery type, with contractures; EMD-Related Emery-Dreifuss Muscular Dystrophy, X-Linked. Identifiers: MedGen CN375556, MONDO:0100531, OMIM 310300.
Cardiovascular phenotype. Identifiers: MedGen CN230736.
Emery-Dreifuss muscular dystrophy (EDMD). Also called: Scapuloperoneal syndrome, X-linked (formerly); Humeroperoneal neuromuscular disease, (formerly). Identifiers: Orphanet 261, MedGen C0410189, MONDO:0016830.
X-linked Emery-Dreifuss muscular dystrophy. Also called: Muscular dystrophy, tardive Emery-Dreifuss type, with contractures. Identifiers: Orphanet 261, Orphanet 98863, MedGen C0751337, MONDO:0010680.

Allele frequency attached by ClinVar (database versions not stated): gnomAD 0.00002; TOPMed 0.00001.

Submissions (5):

Labcorp Genetics (formerly Invitae), Labcorp
Classification: Uncertain significance for X-linked Emery-Dreifuss muscular dystrophy. Last evaluated: 2025-08-06. Review status: criteria provided, single submitter. Criteria: Invitae Variant Classification Sherloc (09022015). Collection method: clinical testing. Allele origin: germline.
Comment: This sequence change replaces arginine, which is basic and polar, with cysteine, which is neutral and slightly polar, at codon 204 of the EMD protein (p.Arg204Cys). This variant is present in population databases (rs782299893, gnomAD 0.005%), including at least one homozygous and/or hemizygous individual. This variant has not been reported in the literature in individuals affected with EMD-related conditions. ClinVar contains an entry for this variant (Variation ID: 201776). Invitae Evidence Modeling of protein sequence and biophysical properties (such as structural, functional, and spatial information, amino acid conservation, physicochemical variation, residue mobility, and thermodynamic stability) indicates that this missense variant is expected to disrupt EMD protein function with a positive predictive value of 80%. In summary, the available evidence is currently insufficient to determine the role of this variant in disease. Therefore, it has been classified as a Variant of Uncertain Significance.

Ambry Genetics
Classification: Uncertain significance for Cardiovascular phenotype. Last evaluated: 2024-11-22. Review status: criteria provided, single submitter. Criteria: Ambry Variant Classification Scheme 2023. Collection method: clinical testing. Allele origin: germline.
Comment: The p.R204C variant (also known as c.610C>T), located in coding exon 6 of the EMD gene, results from a C to T substitution at nucleotide position 610. The arginine at codon 204 is replaced by cysteine, an amino acid with highly dissimilar properties. This amino acid position is well conserved in available vertebrate species. In addition, this alteration is predicted to be tolerated by in silico analysis. Based on data from gnomAD, the T allele has an overall frequency of 0.0024% (5/205035) total alleles studied, with 1 hemizygote(s) observed. The highest observed frequency was 0.0187% (1/5339) of Other alleles. Based on the available evidence, the clinical significance of this variant remains unclear.

Revvity Omics, Revvity
Classification: Uncertain significance for Emery-Dreifuss muscular dystrophy 1, X-linked. Last evaluated: 2021-07-13. Review status: criteria provided, single submitter. Criteria: ACMG Guidelines, 2015. Collection method: clinical testing. Allele origin: germline.

GeneDx
Classification: Uncertain significance. Last evaluated: 2012-12-10. Review status: criteria provided, single submitter. Criteria: GeneDx Variant Classification (06012015). Collection method: clinical testing. Allele origin: germline. Affected: yes.
Comment: p.Arg204Cys c.610 CGT>TGT in exon 6 of the EMD gene (NM_000117.2): The Arg204Cys variant in the EMD gene has not been reported as a disease-causing mutation or as a benign polymorphism to our knowledge. The NHLBI ESP Exome Variant Server reports Arg204Cys was not observed in approximately 6,300 samples from individuals of European and African American backgrounds, indicating it is not a common benign variant in these populations. Arg204Cys results in a semi-conservative amino acid substitution of a positively charged Arginine residue with a neutral, polar Cystein residue, which might affect disulfide bonds. In silico analysis predicts Arg204Cys is probably damaging to the protein structure/function. Nevertheless, the Arg204 residue is not well conserved, as a Cysteine residue is present at this position in horse. Also, no missense mutations in nearby codons have been reported in association with EDMD. With the clinical and molecular information available at this time, we cannot definitively determine if Arg204Cys is a disease-causing mutation or a rare benign variant. The variant is found in DCM panel(s).

Natera, Inc.
Classification: Uncertain significance for Emery-Dreifuss muscular dystrophy. Last evaluated: 2020-09-16. Review status: no assertion criteria provided. Collection method: clinical testing. Allele origin: germline. Not counted in ClinVar's aggregate classification.